The following is an entry in ClinVar:

ClinVar aggregate classification (germline): Likely pathogenic (1 of 4 stars; one submission).

Conditions:
Mucopolysaccharidosis, MPS-II (MPS2). Also called: Hunter Syndrome; IDURONATE 2-SULFATASE DEFICIENCY; Mucopolysaccharidosis Type II; Mucopolysaccharidosis type 2; Attenuated MPS (subtype; formerly known as mild MPS II); Severe MPS II. Identifiers: Orphanet 580, Orphanet 79388, MedGen C0026705, MONDO:0010674, OMIM 309900.

Submission:

Laboratory of Diagnosis and Therapy of Lysosomal Disorders, University of Padova
Classification: Likely pathogenic for Mucopolysaccharidosis, MPS-II. Last evaluated: 2024-06-07. Review status: criteria provided, single submitter. Criteria: ACMG Guidelines, 2015. Collection method: literature only. Allele origin: germline. Affected: yes. Observed: 2 variant alleles.
Comment: Absent from controls (or at low frequency) in gnomAD database (PM2_Moderate), Missense variant in a gene with a low rate of benign missense variation (PP2_Supporting), Multiple lines of computational evidence support a deleterious effect (PP3_Supporting), Patient’s phenotype or family history highly specific for the disease (PP4_Strong)

Classification method: ACMG Guidelines [PMID:25741868] with modifications

Literature cited by the submitters: PubMed 21706504; PubMed 7866405.

NM_000202.8(IDS):c.1229T>C (p.Leu410Pro)

Gene: IDS (iduronate 2-sulfatase; minus strand). Cytogenetic location: Xq28.
Variant type: single nucleotide variant.
Coding change: c.1229T>C on transcript NM_000202.8 (MANE Select); coding-DNA position 1229, T replaced by C.
Protein change: p.Leu410Pro; replaces leucine 410 with proline.
Molecular consequence: missense variant.
Genome position (GRCh38, 1-based): chrX:149,483,170, A>G on the plus strand (T>C on the coding strand, the complement: IDS is on the minus strand). VCF-style: chrX-149483170-A-G. GRCh37 (hg19) VCF-style: chrX-148564701-A-G.
Other names: c.959T>C, p.Leu320Pro (NM_001166550.4); short protein forms L320P, L410P.
Identifiers: ClinVar variation 3256000 (VCV003256000.2).